The following is an entry in ClinVar:

NM_001130987.2(DYSF):c.193G>T (p.Glu65Ter)

Gene: DYSF (dysferlin; plus strand). Cytogenetic location: 2p13.2.
Variant type: single nucleotide variant.
Coding change: c.193G>T on transcript NM_001130987.2 (MANE Select); coding-DNA position 193, G replaced by T.
Protein change: p.Glu65Ter; replaces glutamic acid 65 with a stop codon.
Molecular consequence: nonsense.
Genome position (GRCh38, 1-based): chr2:71,481,924, G>T. VCF-style: chr2-71481924-G-T. GRCh37 (hg19) VCF-style: chr2-71709054-G-T.
Other names: c.193G>T, p.Glu65Ter (NM_001130983.2, NM_001130984.2, NM_001130985.2 and 3 more transcripts); c.190G>T, p.Glu64Ter (NM_003494.4, NM_001130976.2, NM_001130977.2 and 4 more transcripts); short protein forms E64*, E65*.
Identifiers: ClinVar variation 984230 (VCV000984230.4), dbSNP rs2082945195, ClinGen allele CA347216396.

ClinVar aggregate classification (germline): Likely pathogenic (1 of 4 stars; one submission).

Conditions:
Autosomal recessive limb-girdle muscular dystrophy. Identifiers: Orphanet 102015, MedGen C2931907, MONDO:0015152.

Submission:

Myriad Genetics, Inc.
Classification: Likely pathogenic for Autosomal recessive limb-girdle muscular dystrophy. Last evaluated: 2019-09-30. Review status: criteria provided, single submitter. Criteria: Myriad Autosomal Dominant, Autosomal Recessive and X-Linked Classification Criteria (2023). Collection method: clinical testing. Allele origin: unknown.
Comment: NM_003494.3(DYSF):c.190G>T(E64*) is expected to be pathogenic in the context of dysferlinopathy. This variant is predicted to lead to an abnormal or absent protein product due to the creation of a premature termination codon in DYSF, a gene where loss-of-function variants are known to be pathogenic. Please note: this variant was assessed in the context of healthy population screening.